The following is an entry in ClinVar:

ClinVar aggregate classification (germline): Benign/Likely benign. Review status: criteria provided, multiple submitters, no conflicts (2 of 4 stars). 5 submissions from 5 submitters: Benign (2); Likely benign (1). 2 of the submissions do not count toward it. Last evaluated 2026-01-24.

Conditions:
FAT1-related disorder. Also called: FAT1-related condition.

Allele frequency attached by ClinVar (database versions not stated): gnomAD 0.00051; TOPMed 0.00077; 1000 Genomes Project 0.00240; 1000 Genomes Project 30x 0.00250.
gnomAD v4.1: 472 of 1,613,850 alleles (0.029%); highest among the groups gnomAD compares: East Asian, 0.64%; 9 homozygotes.

Submissions (5):

Labcorp Genetics (formerly Invitae), Labcorp
Classification: Benign. Last evaluated: 2026-01-24. Review status: criteria provided, single submitter. Criteria: Invitae Variant Classification Sherloc (09022015). Collection method: clinical testing. Allele origin: germline.

Blueprint Genetics
Classification: Likely benign. Last evaluated: 2024-11-01. Review status: criteria provided, single submitter. Criteria: ACMG Guidelines, 2015. Collection method: clinical testing. Allele origin: germline.

Breakthrough Genomics
Classification: Benign. Review status: criteria provided, single submitter. Criteria: ACMG Guidelines, 2015. Collection method: not provided. Allele origin: germline. Inheritance: Unknown mechanism. Affected: yes.

PreventionGenetics, part of Exact Sciences
Classification: Benign for FAT1-related condition. Last evaluated: 2022-11-30. Review status: no assertion criteria provided. Collection method: clinical testing. Allele origin: germline. Not counted in ClinVar's aggregate classification.
Comment: This variant is classified as benign based on ACMG/AMP sequence variant interpretation guidelines (Richards et al. 2015 PMID: 25741868, with internal and published modifications).

Department of Pathology and Laboratory Medicine, Sinai Health System
Classification: Likely benign. Review status: no assertion criteria provided. Collection method: clinical testing. Allele origin: unknown. Affected: yes. Study: The Canadian Open Genetics Repository (COGR). Not counted in ClinVar's aggregate classification.
Comment: The FAT1 p.Glu1292Lys variant was not identified in the literature nor was it identified in ClinVar, Cosmic, or LOVD 3.0. The variant was identified in dbSNP (ID: rs184443677) and in control databases in 226 of 280594 chromosomes at a frequency of 0.000805 increasing the likelihood this could be a low frequency benign variant (Genome Aggregation Database Feb 27, 2017). The variant was observed in the following populations: East Asian in 203 of 19530 chromosomes (freq: 0.01039), Other in 6 of 7138 chromosomes (freq: 0.000841), Latino in 7 of 35370 chromosomes (freq: 0.000198), South Asian in 6 of 30602 chromosomes (freq: 0.000196), African in 3 of 24176 chromosomes (freq: 0.000124) and European (non-Finnish) in 1 of 128406 chromosomes (freq: 0.000008), but was not observed in the Ashkenazi Jewish or European (Finnish) populations. The p.Glu1292 residue is conserved across mammals and other organisms, and four out of five computational analyses (PolyPhen-2, SIFT, AlignGVGD, BLOSUM, MutationTaster) suggest that the variant may impact the protein; however, this information is not predictive enough to assume pathogenicity. The variant occurs outside of the splicing consensus sequence and in silico or computational prediction software programs (SpliceSiteFinder, MaxEntScan, NNSPLICE, GeneSplicer) do not predict a difference in splicing. In summary, based on the above information the clinical significance of this variant cannot be determined with certainty at this time although we would lean towards a more benign role for this variant. This variant is classified as likely benign.

NM_005245.4(FAT1):c.3874G>A (p.Glu1292Lys)

Gene: FAT1 (FAT atypical cadherin 1; minus strand). Cytogenetic location: 4q35.2.
Variant type: single nucleotide variant.
Coding change: c.3874G>A on transcript NM_005245.4 (MANE Select); coding-DNA position 3874, G replaced by A.
Protein change: p.Glu1292Lys; replaces glutamic acid 1292 with lysine.
Molecular consequence: missense variant.
Genome position (GRCh38, 1-based): chr4:186,636,683, C>T on the plus strand (G>A on the coding strand, the complement: FAT1 is on the minus strand). VCF-style: chr4-186636683-C-T. GRCh37 (hg19) VCF-style: chr4-187557837-C-T.
Other names: short protein forms E1292K.
Identifiers: ClinVar variation 779880 (VCV000779880.13), dbSNP rs184443677, ClinGen allele CA3166879.